The following is an entry in ClinVar:

ClinVar aggregate classification (germline): Uncertain significance (1 of 4 stars; one submission).

Conditions:
Familial cancer of breast. Also called: BREAST CANCER, FAMILIAL; hereditary breast carcinoma; Hereditary breast cancer. Identifiers: Orphanet 227535, MedGen C0346153, MONDO:0016419, OMIM 114480. Disease mechanism: loss of function.

Submission:

Neuberg Centre For Genomic Medicine, NCGM
Classification: Uncertain significance for Familial cancer of breast. Last evaluated: 2023-06-22. Review status: criteria provided, single submitter. Criteria: ACMG Guidelines, 2015. Collection method: clinical testing. Allele origin: germline. Inheritance: Autosomal dominant inheritance. Affected: yes.
Comment: The observed missense c.437A>G p.Asp146Gly variant in RAD54L gene has not been reported previously as a pathogenic variant nor as a benign variant, to our knowledge. The p.Asp146Gly variant is absent in gnomAD Exomes. This variant has not been submitted to the ClinVar database. Multiple lines of computational evidence Polyphen - Probably Damaging, SIFT - Damaging and MutationTaster - Disease causing predict a damaging effect on protein structure and function for this variant. The reference amino acid of p.Asp146Gly in RAD54L is predicted as conserved by GERP++ and PhyloP across 100 vertebrates. The amino acid Asp at position 146 is changed to a Gly changing protein sequence and it might alter its composition and physico-chemical properties. For these reasons, this variant has been classified as a Variant of Uncertain Significance VUS.

NM_003579.4(RAD54L):c.437A>G (p.Asp146Gly)

Gene: RAD54L (RAD54 like; plus strand). Cytogenetic location: 1p34.1.
Variant type: single nucleotide variant.
Coding change: c.437A>G on transcript NM_003579.4 (MANE Select); coding-DNA position 437, A replaced by G.
Protein change: p.Asp146Gly; replaces aspartic acid 146 with glycine.
Molecular consequence: missense variant. On other transcripts: 5 prime UTR variant (1).
Genome position (GRCh38, 1-based): chr1:46,260,571, A>G. VCF-style: chr1-46260571-A-G. GRCh37 (hg19) VCF-style: chr1-46726243-A-G.
Other names: c.437A>G, p.Asp146Gly (NM_001142548.2); c.-104A>G (NM_001370766.1); short protein forms D146G.
Identifiers: ClinVar variation 3391407 (VCV003391407.1).